The following is an entry in ClinVar:

ClinVar aggregate classification (germline): Benign. Review status: criteria provided, multiple submitters, no conflicts (2 of 4 stars). 4 submissions from 4 submitters: Benign (3). 1 of the submissions does not count toward it. Last evaluated 2026-02-03.

Conditions:
Arthrogryposis, distal, type 1A. Also called: ARTHROGRYPOSIS MULTIPLEX CONGENITA, DISTAL, TYPE I. Identifiers: Orphanet 1146, MedGen C6022280, MONDO:0007157, OMIM 108120.

Submissions (4):

Labcorp Genetics (formerly Invitae), Labcorp
Classification: Benign for Arthrogryposis, distal, type 1A. Last evaluated: 2026-02-03. Review status: criteria provided, single submitter. Criteria: Invitae Variant Classification Sherloc (09022015). Collection method: clinical testing. Allele origin: germline.

GeneDx
Classification: Benign. Last evaluated: 2016-02-24. Review status: criteria provided, single submitter. Criteria: GeneDx Variant Classification (06012015). Collection method: clinical testing. Allele origin: germline. Affected: yes.
Comment: This variant is considered likely benign or benign based on one or more of the following criteria: it is a conservative change, it occurs at a poorly conserved position in the protein, it is predicted to be benign by multiple in silico algorithms, and/or has population frequency not consistent with disease.

PreventionGenetics, part of Exact Sciences
Classification: Benign. Review status: criteria provided, single submitter. Criteria: ACMG Guidelines, 2015. Collection method: clinical testing. Allele origin: germline.

Eurofins Ntd Llc (ga)
Classification: Benign for AllHighlyPenetrant. Last evaluated: 2012-10-18. Review status: no assertion criteria provided. Collection method: clinical testing. Allele origin: germline. Observed: 14 variant alleles, 6 heterozygotes, 8 homozygotes. Not counted in ClinVar's aggregate classification.

Literature cited by the submitters: PubMed 23757202 (cited by Eurofins Ntd Llc (ga)).

NM_003289.4(TPM2):c.564-19dup

Gene: TPM2 (tropomyosin 2; minus strand). Cytogenetic location: 9p13.3.
Variant type: Duplication.
Coding change: c.564-19dup on transcript NM_003289.4 (MANE Select); 19 bases into the intron before coding-DNA position 564, one base duplicated (C; older notation c.564-19dupC).
Molecular consequence: intron variant.
Genome position (GRCh38, 1-based): chr9:35,684,826, G duplicated on the plus strand (C on the coding strand, the reverse complement: TPM2 is on the minus strand); the first of 8 consecutive G bases (chr9:35,684,826-35,684,833); duplicating any one gives the same sequence. VCF-style (leftmost placement, unchanged base first): chr9-35684825-C-CG. GRCh37 (hg19) VCF-style: chr9-35684822-C-CG.
Other names: c.564-19dupC (NM_003289.3); c.639+238dup (NM_213674.1, NM_001301227.2); c.564-19dup (NM_001301226.2).
Identifiers: ClinVar variation 94123 (VCV000094123.13), dbSNP rs3215700, ClinGen allele CA147642.